The following is an entry in ClinVar:

ClinVar aggregate classification (germline): Pathogenic (1 of 4 stars; one submission).

Conditions:
Developmental and epileptic encephalopathy, 11 (DEE11). Also called: Early infantile epileptic encephalopathy 11. Identifiers: Orphanet 1934, MedGen C3150987, MONDO:0013388, OMIM 613721.

Submission:

Department of Clinical Genetics, Aarhus University Hospital
Classification: Pathogenic for Developmental and epileptic encephalopathy, 11. Last evaluated: 2026-10-01. Review status: criteria provided, single submitter. Criteria: ACMG Guidelines, 2015. Collection method: clinical testing. Allele origin: de novo. Inheritance: Autosomal dominant inheritance. Affected: yes.
Comment: The variant is not seen in the gnomAD 4.1 database. The variant is a frameshift variant predicted to cause a premature termination codon in exon 17 of 27, and is anticipated to result in nonsense mediated decay. According to the ACMG guidelines, this variant is interpreted as pathogenic (PM2_supporting, PVS1, PS2_supporting).

NM_001040142.2(SCN2A):c.3102del (p.Ala1035fs)

Gene: SCN2A (sodium voltage-gated channel alpha subunit 2; plus strand). Cytogenetic location: 2q24.3.
Variant type: Deletion.
Coding change: c.3102del on transcript NM_001040142.2 (MANE Select); coding-DNA position 3102, one base deleted (A; older notation c.3102delA).
Protein change: p.Ala1035fs; shifts the reading frame from alanine 1035.
Molecular consequence: frameshift variant.
Genome position (GRCh38, 1-based): chr2:165,354,374, A deleted; the last of 3 consecutive A bases (chr2:165,354,372-165,354,374); deleting any one gives the same sequence. VCF-style (leftmost placement, unchanged base first): chr2-165354371-GA-G. GRCh37 (hg19) VCF-style: chr2-166210881-GA-G.
Other names: c.3102del, p.Ala1035fs (NM_001040143.2, NM_001371246.1, NM_001371247.1 and 1 more transcripts); short protein forms A1035fs.
Identifiers: ClinVar variation 5038435 (VCV005038435.1).